The following is an entry in ClinVar:

NM_001687.5(ATP5F1D):c.384+3G>A

Gene: ATP5F1D (ATP synthase F1 subunit delta; plus strand). Cytogenetic location: 19p13.3.
Variant type: single nucleotide variant.
Coding change: c.384+3G>A on transcript NM_001687.5 (MANE Select); 3 bases into the intron after coding-DNA position 384, G replaced by A.
Molecular consequence: intron variant.
Genome position (GRCh38, 1-based): chr19:1,244,188, G>A. VCF-style: chr19-1244188-G-A. GRCh37 (hg19) VCF-style: chr19-1244187-G-A.
Other names: c.384+3G>A (NM_001001975.2).
Identifiers: ClinVar variation 3671827 (VCV003671827.2).

ClinVar aggregate classification (germline): Uncertain significance (1 of 4 stars; one submission).

Submission:

Labcorp Genetics (formerly Invitae), Labcorp
Classification: Uncertain significance. Last evaluated: 2025-03-04. Review status: criteria provided, single submitter. Criteria: Invitae Variant Classification Sherloc (09022015). Collection method: clinical testing. Allele origin: germline.
Comment: This sequence change falls in intron 3 of the ATP5D gene. It does not directly change the encoded amino acid sequence of the ATP5D protein. It affects a nucleotide within the consensus splice site. This variant is present in population databases (rs770265257, gnomAD 0.003%). This variant has not been reported in the literature in individuals affected with ATP5D-related conditions. Variants that disrupt the consensus splice site are a relatively common cause of aberrant splicing (PMID: 17576681, 9536098). Algorithms developed to predict the effect of sequence changes on RNA splicing suggest that this variant is not likely to affect RNA splicing. In summary, the available evidence is currently insufficient to determine the role of this variant in disease. Therefore, it has been classified as a Variant of Uncertain Significance.

Literature cited by the submitters: PubMed 17576681; PubMed 9536098.